The following is an entry in ClinVar:

NM_002691.4(POLD1):c.2346G>A (p.Val782=)

Gene: POLD1 (DNA polymerase delta 1, catalytic subunit; plus strand). Cytogenetic location: 19q13.33.
Variant type: single nucleotide variant.
Coding change: c.2346G>A on transcript NM_002691.4 (MANE Select); coding-DNA position 2346, G replaced by A.
Protein change: p.Val782=; no amino-acid change (valine 782 retained).
Molecular consequence: synonymous variant. On other transcripts: non-coding transcript variant (1).
Genome position (GRCh38, 1-based): chr19:50,413,837, G>A. VCF-style: chr19-50413837-G-A. GRCh37 (hg19) VCF-style: chr19-50917094-G-A.
Other names: c.2346G>A, p.Val782= (NM_001256849.1); c.2424G>A, p.Val808= (NM_001308632.1).
Identifiers: ClinVar variation 484410 (VCV000484410.23), dbSNP rs1406011948, ClinGen allele CA508305197.

ClinVar aggregate classification (germline): Likely benign. Review status: criteria provided, multiple submitters, no conflicts (2 of 4 stars). 6 submissions from 6 submitters: Likely benign (6). Last evaluated 2026-01-17.

Conditions:
Hereditary cancer-predisposing syndrome. Also called: Tumor predisposition; Hereditary Cancer Syndrome; Hereditary neoplastic syndrome; Neoplastic Syndromes, Hereditary. Identifiers: Orphanet 140162, MedGen C0027672, MeSH D009386, MONDO:0015356.
POLD1-related polyposis and colorectal cancer syndrome (CRCS10). Also called: Colorectal cancer 10; COLORECTAL CANCER, SUSCEPTIBILITY TO, ON CHROMOSOME 19q; Colorectal cancer, susceptibility to, 10. Identifiers: Orphanet 220460, MedGen C2675481, MONDO:0012953, OMIM 612591.

Allele frequency attached by ClinVar (database versions not stated): TOPMed below 0.00001; gnomAD exomes 0.00001; gnomAD 0.00002.
gnomAD v4.1: 19 of 1,611,786 alleles (0.0012%); highest among the groups gnomAD compares: Non-Finnish European, 0.0016%; no homozygotes.

Submissions (6):

Labcorp Genetics (formerly Invitae), Labcorp
Classification: Likely benign for POLD1-related polyposis and colorectal cancer syndrome. Last evaluated: 2026-01-17. Review status: criteria provided, single submitter. Criteria: Invitae Variant Classification Sherloc (09022015). Collection method: clinical testing. Allele origin: germline.

Center for Genomic Medicine, Rigshospitalet, Copenhagen University Hospital
Classification: Likely benign. Last evaluated: 2025-03-04. Review status: criteria provided, single submitter. Criteria: ACMG Guidelines, 2015. Collection method: clinical testing. Allele origin: germline.

Laboratory of Genetics, Children's Clinical University Hospital Latvia
Classification: Likely benign. Last evaluated: 2025-02-16. Review status: criteria provided, single submitter. Criteria: ACMG Guidelines, 2015. Collection method: clinical testing. Allele origin: germline. Affected: yes.

Quest Diagnostics Nichols Institute San Juan Capistrano
Classification: Likely benign. Last evaluated: 2019-04-24. Review status: criteria provided, single submitter. Criteria: Quest Diagnostics criteria. Collection method: clinical testing. Allele origin: germline.

GeneDx
Classification: Likely benign. Last evaluated: 2018-01-11. Review status: criteria provided, single submitter. Criteria: GeneDx Variant Classification (06012015). Collection method: clinical testing. Allele origin: germline. Affected: yes.
Comment: This variant is considered likely benign or benign based on one or more of the following criteria: it is a conservative change, it occurs at a poorly conserved position in the protein, it is predicted to be benign by multiple in silico algorithms, and/or has population frequency not consistent with disease.

Ambry Genetics
Classification: Likely benign for Hereditary cancer-predisposing syndrome. Last evaluated: 2016-12-08. Review status: criteria provided, single submitter. Criteria: Ambry Variant Classification Scheme 2023. Collection method: clinical testing. Allele origin: germline.